The following is an entry in ClinVar:

ClinVar aggregate classification (germline): Likely benign (1 of 4 stars; one submission).

Submission:

CeGaT Center for Human Genetics Tuebingen
Classification: Likely benign. Last evaluated: 2024-12-01. Review status: criteria provided, single submitter. Criteria: CeGaT Center For Human Genetics Tuebingen Variant Classification Criteria Version 2. Collection method: clinical testing. Allele origin: germline. Affected: yes. Observed: 1 variant allele.
Comment: GOLGA6A: BP4, BP7

NM_001038640.2(GOLGA6A):c.1689C>T (p.Asp563=)

Gene: GOLGA6A (golgin A6 family member A; minus strand). Cytogenetic location: 15q24.1.
Variant type: single nucleotide variant.
Coding change: c.1689C>T on transcript NM_001038640.2 (MANE Select); coding-DNA position 1689, C replaced by T.
Protein change: p.Asp563=; no amino-acid change (aspartic acid 563 retained).
Molecular consequence: synonymous variant.
Genome position (GRCh38, 1-based): chr15:74,071,561, G>A on the plus strand (C>T on the coding strand, the complement: GOLGA6A is on the minus strand). VCF-style: chr15-74071561-G-A. GRCh37 (hg19) VCF-style: chr15-74363902-G-A.
Identifiers: ClinVar variation 3771007 (VCV003771007.13).